The following is an entry in ClinVar:

NM_000127.3(EXT1):c.404T>C (p.Leu135Pro)

Gene: EXT1 (exostosin glycosyltransferase 1; minus strand). Cytogenetic location: 8q24.11.
Variant type: single nucleotide variant.
Coding change: c.404T>C on transcript NM_000127.3 (MANE Select); coding-DNA position 404, T replaced by C.
Protein change: p.Leu135Pro; replaces leucine 135 with proline.
Molecular consequence: missense variant.
Genome position (GRCh38, 1-based): chr8:118,110,643, A>G on the plus strand (T>C on the coding strand, the complement: EXT1 is on the minus strand). VCF-style: chr8-118110643-A-G. GRCh37 (hg19) VCF-style: chr8-119122882-A-G.
Other names: short protein forms L135P.
Identifiers: ClinVar variation 2675187 (VCV002675187.5), dbSNP rs2488052121, ClinGen allele CA371915923.

ClinVar aggregate classification (germline): Uncertain significance. Review status: criteria provided, multiple submitters, no conflicts (2 of 4 stars). 2 submissions from 2 submitters: Uncertain significance (2). Last evaluated 2023-12-20.

Conditions:
Multiple congenital exostosis (EXT). Also called: Multiple osteochondromas; MULTIPLE CARTILAGINOUS EXOSTOSES; Hereditary multiple osteochondromas; Hereditary multiple exostoses; Hereditary multiple exostosis; Multiple exostoses. Identifiers: Orphanet 321, MedGen C0015306, MONDO:0005508, HP:0002762.
Chondrosarcoma. Also called: Chondrosarcoma, somatic. Identifiers: Orphanet 55880, MedGen C0008479, MONDO:0008977, OMIM 215300, HP:0006765.

Submissions (2):

Baylor Genetics
Classification: Uncertain significance for Chondrosarcoma. Last evaluated: 2023-12-20. Review status: criteria provided, single submitter. Criteria: ACMG Guidelines, 2015. Collection method: clinical testing. Allele origin: unknown.

Labcorp Genetics (formerly Invitae), Labcorp
Classification: Uncertain significance for Multiple congenital exostosis. Last evaluated: 2023-07-08. Review status: criteria provided, single submitter. Criteria: Invitae Variant Classification Sherloc (09022015). Collection method: clinical testing. Allele origin: germline.
Comment: This sequence change replaces leucine, which is neutral and non-polar, with proline, which is neutral and non-polar, at codon 135 of the EXT1 protein (p.Leu135Pro). This variant is not present in population databases (gnomAD no frequency). This variant has not been reported in the literature in individuals affected with EXT1-related conditions. Advanced modeling of protein sequence and biophysical properties (such as structural, functional, and spatial information, amino acid conservation, physicochemical variation, residue mobility, and thermodynamic stability) performed at Invitae indicates that this missense variant is expected to disrupt EXT1 protein function. In summary, the available evidence is currently insufficient to determine the role of this variant in disease. Therefore, it has been classified as a Variant of Uncertain Significance.